The following is an entry in ClinVar:

NM_001145319.2(PLS1):c.780A>G (p.Leu260=)

Gene: PLS1 (plastin 1; plus strand). Cytogenetic location: 3q23.
Variant type: single nucleotide variant.
Coding change: c.780A>G on transcript NM_001145319.2 (MANE Select); coding-DNA position 780, A replaced by G.
Protein change: p.Leu260=; no amino-acid change (leucine 260 retained).
Molecular consequence: synonymous variant.
Genome position (GRCh38, 1-based): chr3:142,684,287, A>G. VCF-style: chr3-142684287-A-G. GRCh37 (hg19) VCF-style: chr3-142403129-A-G.
Other names: c.780A>G, p.Leu260= (NM_001172312.2, NM_002670.3).
Identifiers: ClinVar variation 4981382 (VCV004981382.1).

ClinVar aggregate classification (germline): Likely benign (1 of 4 stars; one submission).

Conditions:
PLS1-related disorder. Also called: PLS1-related condition.

gnomAD v4.1: 125 of 1,614,144 alleles (0.0077%); highest among the groups gnomAD compares: African/African-American, 0.15%; no homozygotes.

Submission:

PreventionGenetics, part of Exact Sciences
Classification: Likely benign for PLS1-related condition. Last evaluated: 2026-06-24. Review status: criteria provided, single submitter. Criteria: ACMG Guidelines, 2015. Collection method: clinical testing. Allele origin: germline.
Comment: This variant is classified as likely benign based on ACMG/AMP sequence variant interpretation guidelines (Richards et al. 2015 PMID: 25741868, with internal and published modifications).